The following is an entry in ClinVar:

NM_024589.3(ROGDI):c.823-3C>T

Gene: ROGDI (rogdi atypical leucine zipper; minus strand). Cytogenetic location: 16p13.3.
Variant type: single nucleotide variant.
Coding change: c.823-3C>T on transcript NM_024589.3 (MANE Select); 3 bases into the intron before coding-DNA position 823, C replaced by T.
Molecular consequence: intron variant.
Genome position (GRCh38, 1-based): chr16:4,797,504, G>A on the plus strand (C>T on the coding strand, the complement: ROGDI is on the minus strand). VCF-style: chr16-4797504-G-A. GRCh37 (hg19) VCF-style: chr16-4847505-G-A.
Identifiers: ClinVar variation 2199846 (VCV002199846.3), dbSNP rs951093481, ClinGen allele CA277135097.

ClinVar aggregate classification (germline): Uncertain significance (1 of 4 stars; one submission).

Conditions:
Amelocerebrohypohidrotic syndrome (KTZS). Also called: EPILEPSY AND YELLOW TEETH; EPILEPSY, DEMENTIA, AND AMELOGENESIS IMPERFECTA; KOHLSCHUTTER SYNDROME; Kohlschutter's syndrome. Identifiers: Orphanet 1946, MedGen C0406740, MONDO:0009185, OMIM 226750.

Allele frequency attached by ClinVar (database versions not stated): gnomAD 0.00001; TOPMed 0.00003.
gnomAD v4.1: 26 of 1,613,092 alleles (0.0016%); highest among the groups gnomAD compares: Non-Finnish European, 0.00017%; no homozygotes.

Submission:

Labcorp Genetics (formerly Invitae), Labcorp
Classification: Uncertain significance for Amelocerebrohypohidrotic syndrome. Last evaluated: 2022-09-01. Review status: criteria provided, single submitter. Criteria: Invitae Variant Classification Sherloc (09022015). Collection method: clinical testing. Allele origin: germline.
Comment: Variants that disrupt the consensus splice site are a relatively common cause of aberrant splicing (PMID: 17576681, 9536098). Algorithms developed to predict the effect of sequence changes on RNA splicing suggest that this variant is not likely to affect RNA splicing. This sequence change falls in intron 10 of the ROGDI gene. It does not directly change the encoded amino acid sequence of the ROGDI protein. It affects a nucleotide within the consensus splice site. This variant is present in population databases (no rsID available, gnomAD 0.04%). This variant has not been reported in the literature in individuals affected with ROGDI-related conditions. In summary, the available evidence is currently insufficient to determine the role of this variant in disease. Therefore, it has been classified as a Variant of Uncertain Significance.

Literature cited by the submitters: PubMed 17576681; PubMed 9536098.